The following is an entry in ClinVar:

ClinVar aggregate classification (germline): Uncertain significance (1 of 4 stars; one submission).

gnomAD v4.1: 1 of 1,614,184 alleles (0.000062%); highest among the groups gnomAD compares: Non-Finnish European, 0.000085%; no homozygotes.

Submission:

Labcorp Genetics (formerly Invitae), Labcorp
Classification: Uncertain significance. Last evaluated: 2022-04-08. Review status: criteria provided, single submitter. Criteria: Invitae Variant Classification Sherloc (09022015). Collection method: clinical testing. Allele origin: germline.
Comment: This sequence change replaces glycine, which is neutral and non-polar, with arginine, which is basic and polar, at codon 760 of the KMT2A protein (p.Gly760Arg). This variant is not present in population databases (gnomAD no frequency). This variant has not been reported in the literature in individuals affected with KMT2A-related conditions. Advanced modeling of protein sequence and biophysical properties (such as structural, functional, and spatial information, amino acid conservation, physicochemical variation, residue mobility, and thermodynamic stability) performed at Invitae indicates that this missense variant is not expected to disrupt KMT2A protein function. In summary, the available evidence is currently insufficient to determine the role of this variant in disease. Therefore, it has been classified as a Variant of Uncertain Significance.

NM_001197104.2(KMT2A):c.2278G>C (p.Gly760Arg)

Gene: KMT2A (lysine methyltransferase 2A; plus strand). Cytogenetic location: 11q23.3.
Variant type: single nucleotide variant.
Coding change: c.2278G>C on transcript NM_001197104.2 (MANE Select); coding-DNA position 2278, G replaced by C.
Protein change: p.Gly760Arg; replaces glycine 760 with arginine.
Molecular consequence: missense variant.
Genome position (GRCh38, 1-based): chr11:118,473,437, G>C. VCF-style: chr11-118473437-G-C. GRCh37 (hg19) VCF-style: chr11-118344152-G-C.
Other names: c.2278G>C, p.Gly760Arg (NM_005933.4); short protein forms G760R.
Identifiers: ClinVar variation 1386839 (VCV001386839.6), dbSNP rs2134267169, ClinGen allele CA382814135.